The following is an entry in ClinVar:

Conditions:
Long QT syndrome 5 (LQT5). Identifiers: Orphanet 101016, Orphanet 768, MedGen C1867904, MONDO:0013372, OMIM 613695.

Submission:

Roden Lab, Vanderbilt University Medical Center
No classification provided (evidence only). Condition: Long QT syndrome 5. Review status: no classification provided. Collection method: in vitro. Allele origin: not applicable. Functional consequence: Effect on ion channel function.
ClinVar note: "not provided" was previously submitted as the classification for the variant. However, the classification appeared to be based only on an observation of functional data so it was converted to no classification on 2025-07-30.

NM_000219.6(KCNE1):c.78C>G (p.Asn26Lys)

Gene: KCNE1 (potassium voltage-gated channel subfamily E regulatory subunit 1; minus strand). Cytogenetic location: 21q22.12.
Variant type: single nucleotide variant.
Coding change: c.78C>G on transcript NM_000219.6 (MANE Select); coding-DNA position 78, C replaced by G.
Protein change: p.Asn26Lys; replaces asparagine 26 with lysine.
Molecular consequence: missense variant.
Genome position (GRCh38, 1-based): chr21:34,449,557, G>C on the plus strand (C>G on the coding strand, the complement: KCNE1 is on the minus strand). VCF-style: chr21-34449557-G-C. GRCh37 (hg19) VCF-style: chr21-35821855-G-C.
Other names: c.78C>G, p.Asn26Lys (NM_001127668.4, NM_001127669.4, NM_001127670.4 and 4 more transcripts); short protein forms N26K.
Identifiers: ClinVar variation 3373989 (VCV003373989.2).
Genomic context (GRCh38, chr21:34,449,557, plus strand): 5'-GTAGAGGGCCTCCAGCTTGCCGTCACTGCTGCGGGGGGACCTGCGGGCCAGGCCCGACAT[G>C]TTGCCACCCTGCTGAACTGTCTCCTGCCACAGCTTGGTCAGAAAGGGCGTCACCGCTGTG-3'
Protein context (NP_000210.2, residues 16-36): LWQETVQQGG[Asn26Lys]MSGLARRSPR